The following is an entry in ClinVar:

ClinVar aggregate classification (germline): Uncertain significance (1 of 4 stars; one submission).

Conditions:
Neuropathy, hereditary sensory and autonomic, type 2A (HSAN2A). Also called: WNK1-Related HSAN2 (HSAN2A); ACROOSTEOLYSIS, GIACCAI TYPE; ACROOSTEOLYSIS, NEUROGENIC; HSAN IIA; MORVAN DISEASE; NEUROPATHY, CONGENITAL SENSORY. Identifiers: Orphanet 970, MedGen C2752089, MONDO:0024309, OMIM 201300.
Pseudohypoaldosteronism type 2C (PHA2C). Also called: Pseudohypoaldosteronism Type IIC. Identifiers: Orphanet 757, Orphanet 88940, MedGen C1840391, MONDO:0013778, OMIM 614492.

Allele frequency attached by ClinVar (database versions not stated): gnomAD exomes 0.00001.
gnomAD v4.1: 10 of 1,614,178 alleles (0.00062%); highest among the groups gnomAD compares: Middle Eastern, 0.016%; no homozygotes.

Submission:

Labcorp Genetics (formerly Invitae), Labcorp
Classification: Uncertain significance for Neuropathy, hereditary sensory and autonomic, type 2A; Pseudohypoaldosteronism type 2C. Last evaluated: 2025-06-17. Review status: criteria provided, single submitter. Criteria: Invitae Variant Classification Sherloc (09022015). Collection method: clinical testing. Allele origin: germline.
Comment: This sequence change replaces tyrosine, which is neutral and polar, with cysteine, which is neutral and slightly polar, at codon 1467 of the WNK1 protein (p.Tyr1467Cys). This variant is present in population databases (no rsID available, gnomAD 0.003%). This variant has not been reported in the literature in individuals affected with WNK1-related conditions. ClinVar contains an entry for this variant (Variation ID: 644323). Invitae Evidence Modeling of protein sequence and biophysical properties (such as structural, functional, and spatial information, amino acid conservation, physicochemical variation, residue mobility, and thermodynamic stability) indicates that this missense variant is not expected to disrupt WNK1 protein function with a negative predictive value of 95%. In summary, the available evidence is currently insufficient to determine the role of this variant in disease. Therefore, it has been classified as a Variant of Uncertain Significance.

NM_018979.4(WNK1):c.3644A>G (p.Tyr1215Cys)

Gene: WNK1 (WNK lysine deficient protein kinase 1; plus strand). Cytogenetic location: 12p13.33.
Variant type: single nucleotide variant.
Coding change: c.3644A>G on transcript NM_018979.4 (MANE Select); coding-DNA position 3644, A replaced by G.
Protein change: p.Tyr1215Cys; replaces tyrosine 1215 with cysteine.
Molecular consequence: missense variant.
Genome position (GRCh38, 1-based): chr12:883,549, A>G. VCF-style: chr12-883549-A-G. GRCh37 (hg19) VCF-style: chr12-992715-A-G.
Other names: c.4424A>G, p.Tyr1475Cys (NM_001184985.2); c.2903A>G, p.Tyr968Cys (NM_014823.3); c.4400A>G, p.Tyr1467Cys (NM_213655.5); short protein forms Y1215C, Y1467C, Y968C, Y1475C.
Identifiers: ClinVar variation 644323 (VCV000644323.8), dbSNP rs1429709600, ClinGen allele CA383329403.
Genomic context (GRCh38, chr12:883,549, plus strand): 5'-ATGTCAGTGTGGAACCAGAGGGTGATCAGGGATTGGAGAGTCTACAAGGAAAGGATGACT[A>G]TGGCTTTTCAGGTTCTCAGGTAGGTTCACCACTCCCATAGTGAAACTTTGTTGATTTAAA-3'
Protein context (NP_061852.3, residues 1205-1225): GLESLQGKDD[Tyr1215Cys]GFSGSQKLEG